The following is an entry in ClinVar:

NM_000020.3(ACVRL1):c.589A>T (p.Thr197Ser)

Gene: ACVRL1 (activin A receptor like type 1; plus strand). Cytogenetic location: 12q13.13.
Variant type: single nucleotide variant.
Coding change: c.589A>T on transcript NM_000020.3 (MANE Select); coding-DNA position 589, A replaced by T.
Protein change: p.Thr197Ser; replaces threonine 197 with serine.
Molecular consequence: missense variant.
Genome position (GRCh38, 1-based): chr12:51,914,037, A>T. VCF-style: chr12-51914037-A-T. GRCh37 (hg19) VCF-style: chr12-52307821-A-T.
Other names: c.589A>T, p.Thr197Ser (NM_001077401.2, NM_001406487.1, NM_001406488.1 and 1 more transcripts); short protein forms T197S.
Identifiers: ClinVar variation 1750356 (VCV001750356.3), dbSNP rs2540161661, ClinGen allele CA384899765.

ClinVar aggregate classification (germline): Uncertain significance (1 of 4 stars; one submission).

Conditions:
Cardiovascular phenotype. Identifiers: MedGen CN230736.

Submission:

Ambry Genetics
Classification: Uncertain significance for Cardiovascular phenotype. Last evaluated: 2026-07-20. Review status: criteria provided, single submitter. Criteria: Ambry Variant Classification Scheme 2023. Collection method: clinical testing. Allele origin: germline.
Comment: The p.T197S variant (also known as c.589A>T), located in coding exon 4 of the ACVRL1 gene, results from an A to T substitution at nucleotide position 589. The threonine at codon 197 is replaced by serine, an amino acid with similar properties. This amino acid position is highly conserved in available vertebrate species. In addition, this alteration is predicted to be deleterious by in silico analysis. Based on the available evidence, the clinical significance of this variant remains unclear.